The following is an entry in ClinVar:

NM_020937.4(FANCM):c.4371A>T (p.Arg1457Ser)

Gene: FANCM (FA complementation group M; plus strand). Cytogenetic location: 14q21.2.
Variant type: single nucleotide variant.
Coding change: c.4371A>T on transcript NM_020937.4 (MANE Select); coding-DNA position 4371, A replaced by T.
Protein change: p.Arg1457Ser; replaces arginine 1457 with serine.
Molecular consequence: missense variant.
Genome position (GRCh38, 1-based): chr14:45,181,690, A>T. VCF-style: chr14-45181690-A-T. GRCh37 (hg19) VCF-style: chr14-45650893-A-T.
Other names: c.4293A>T, p.Arg1431Ser (NM_001308133.2); short protein forms R1431S, R1457S.
Identifiers: ClinVar variation 4022747 (VCV004022747.1).

ClinVar aggregate classification (germline): Uncertain significance (1 of 4 stars; one submission).

Conditions:
Inborn genetic diseases. Identifiers: MedGen C0950123, MeSH D030342.

Submission:

Ambry Genetics
Classification: Uncertain significance for Inborn genetic diseases. Last evaluated: 2025-05-04. Review status: criteria provided, single submitter. Criteria: Ambry Variant Classification Scheme 2023. Collection method: clinical testing. Allele origin: germline.
Comment: The p.R1457S variant (also known as c.4371A>T), located in coding exon 16 of the FANCM gene, results from an A to T substitution at nucleotide position 4371. The arginine at codon 1457 is replaced by serine, an amino acid with dissimilar properties. This amino acid position is conserved. In addition, this alteration is predicted to be tolerated by in silico analysis. Based on the available evidence, the clinical significance of this variant remains unclear.